The following is an entry in ClinVar:

NM_001211.6(BUB1B):c.323C>G (p.Ala108Gly)

Gene: BUB1B (BUB1 mitotic checkpoint serine/threonine kinase B; plus strand). Cytogenetic location: 15q15.1.
Variant type: single nucleotide variant.
Coding change: c.323C>G on transcript NM_001211.6 (MANE Select); coding-DNA position 323, C replaced by G.
Protein change: p.Ala108Gly; replaces alanine 108 with glycine.
Molecular consequence: missense variant.
Genome position (GRCh38, 1-based): chr15:40,170,620, C>G. VCF-style: chr15-40170620-C-G. GRCh37 (hg19) VCF-style: chr15-40462821-C-G.
Other names: short protein forms A108G.
Identifiers: ClinVar variation 3483159 (VCV003483159.1).

ClinVar aggregate classification (germline): Uncertain significance (1 of 4 stars; one submission).

Conditions:
Inborn genetic diseases. Identifiers: MedGen C0950123, MeSH D030342.

gnomAD v4.1: 1 of 1,613,068 alleles (0.000062%); no homozygotes.

Submission:

Ambry Genetics
Classification: Uncertain significance for Inborn genetic diseases. Last evaluated: 2024-07-30. Review status: criteria provided, single submitter. Criteria: Ambry Variant Classification Scheme 2023. Collection method: clinical testing. Allele origin: germline.
Comment: The p.A108G variant (also known as c.323C>G), located in coding exon 4 of the BUB1B gene, results from a C to G substitution at nucleotide position 323. The alanine at codon 108 is replaced by glycine, an amino acid with similar properties. This amino acid position is conserved. In addition, this alteration is predicted to be tolerated by in silico analysis. Based on the available evidence, the clinical significance of this variant remains unclear.